The following is an entry in ClinVar:

NM_000059.4(BRCA2):c.7008-1934_7008-1933dup

Gene: BRCA2 (BRCA2 DNA repair associated; plus strand). Cytogenetic location: 13q13.1.
Variant type: Duplication.
Coding change: c.7008-1934_7008-1933dup on transcript NM_000059.4 (MANE Select); 1934 bases into the intron before coding-DNA position 7008 through 1933 bases into the intron before coding-DNA position 7008, 2 bases duplicated (TA; older notation c.7008-1934_7008-1933dupTA).
Molecular consequence: intron variant.
Genome position (GRCh38, 1-based): chr13:32,352,927-32,352,928, TA duplicated; duplicating any 2 consecutive bases within chr13:32,352,926-32,352,928 gives the same sequence; the c. name uses the placement nearest the transcript's 3' end. VCF-style (leftmost placement, unchanged base first): chr13-32352925-A-AAT. GRCh37 (hg19) VCF-style: chr13-32927062-A-AAT.
Other names: IVS 13-1936insAT.
Identifiers: ClinVar variation 264889 (VCV000264889.1), dbSNP rs11571701, ClinGen allele CA276716.
Genomic context (GRCh38, chr13:32,352,925, plus strand): 5'-CAGTAGATTTGGCCAGATAGTGATAAGTTGAGACTGGCAAATTATTTCCACTTAGATTTA[A>AAT]ATAGATATCTTGAGCATAACCTACAAGGCAAACTCCTTATACTAAAAATATTCTGAATAT-3'

ClinVar aggregate classification (germline): Benign (3 of 4 stars; one submission).

Conditions:
Breast-ovarian cancer, familial, susceptibility to, 2 (BROVCA2). Also called: BRCA2 Hereditary Breast and Ovarian Cancer. Identifiers: Orphanet 145, MedGen C2675520, MONDO:0012933, OMIM 612555. Disease mechanism: loss of function.

Submission:

Evidence-based Network for the Interpretation of Germline Mutant Alleles (ENIGMA)
Classification: Benign for Breast-ovarian cancer, familial, susceptibility to, 2. Last evaluated: 2016-09-28. Review status: reviewed by expert panel. Criteria: ENIGMA BRCA1/2 Classification Criteria (2015). Collection method: curation. Allele origin: germline.
Comment: Class 1 not pathogenic based on frequency >1% in an outbred sampleset. Frequency 0.0242 (African), derived from 1000 genomes (2013-05-02).